The following is an entry in ClinVar:

ClinVar aggregate classification (germline): Uncertain significance. Review status: criteria provided, multiple submitters, no conflicts (2 of 4 stars). 2 submissions from 2 submitters: Uncertain significance (2). Last evaluated 2025-11-17.

Conditions:
Hereditary cancer-predisposing syndrome. Also called: Tumor predisposition; Hereditary Cancer Syndrome; Hereditary neoplastic syndrome; Neoplastic Syndromes, Hereditary. Identifiers: Orphanet 140162, MedGen C0027672, MeSH D009386, MONDO:0015356.
Hereditary nonpolyposis colorectal neoplasms. Identifiers: MedGen C0009405, MeSH D003123.

Submissions (2):

Labcorp Genetics (formerly Invitae), Labcorp
Classification: Uncertain significance for Hereditary nonpolyposis colorectal neoplasms. Last evaluated: 2025-11-17. Review status: criteria provided, single submitter. Criteria: Invitae Variant Classification Sherloc (09022015). Collection method: clinical testing. Allele origin: germline.
Comment: This sequence change replaces aspartic acid, which is acidic and polar, with asparagine, which is neutral and polar, at codon 261 of the PMS2 protein (p.Asp261Asn). This variant is not present in population databases (gnomAD no frequency). This variant has not been reported in the literature in individuals affected with PMS2-related conditions. ClinVar contains an entry for this variant (Variation ID: 411088). Invitae Evidence Modeling incorporating data from in vitro experimental studies (internal data) indicates that this missense variant is not expected to disrupt PMS2 function with a negative predictive value of 95%. In summary, the available evidence is currently insufficient to determine the role of this variant in disease. Therefore, it has been classified as a Variant of Uncertain Significance.

Ambry Genetics
Classification: Uncertain significance for Hereditary cancer-predisposing syndrome. Last evaluated: 2025-03-02. Review status: criteria provided, single submitter. Criteria: Ambry Variant Classification Scheme 2023. Collection method: clinical testing. Allele origin: germline.
Comment: The p.D261N variant (also known as c.781G>A), located in coding exon 7 of the PMS2 gene, results from a G to A substitution at nucleotide position 781. The aspartic acid at codon 261 is replaced by asparagine, an amino acid with highly similar properties. This amino acid position is poorly conserved in available vertebrate species. In addition, this alteration is predicted to be tolerated by in silico analysis. Since supporting evidence is limited at this time, the clinical significance of this alteration remains unclear.

NM_000535.7(PMS2):c.781G>A (p.Asp261Asn)

Gene: PMS2 (PMS1 homolog 2, mismatch repair system component; minus strand). Cytogenetic location: 7p22.1.
Variant type: single nucleotide variant.
Coding change: c.781G>A on transcript NM_000535.7 (MANE Select); coding-DNA position 781, G replaced by A.
Protein change: p.Asp261Asn; replaces aspartic acid 261 with asparagine.
Molecular consequence: missense variant. On other transcripts: 5 prime UTR variant (2), non-coding transcript variant (1).
Genome position (GRCh38, 1-based): chr7:5,997,348, C>T on the plus strand (G>A on the coding strand, the complement: PMS2 is on the minus strand). VCF-style: chr7-5997348-C-T. GRCh37 (hg19) VCF-style: chr7-6036979-C-T.
Other names: c.376G>A, p.Asp126Asn (NM_001322003.2, NM_001322004.2, NM_001322005.2 and 2 more transcripts); c.781G>A, p.Asp261Asn (NM_001322006.2, NM_001322014.2); c.463G>A, p.Asp155Asn (NM_001322007.2, NM_001322008.2); c.-153G>A (NM_001322011.2, NM_001322012.2); c.208G>A, p.Asp70Asn (NM_001322013.2); c.472G>A, p.Asp158Asn (NM_001322015.2); short protein forms D261N, D126N, D158N, D70N, D155N.
Identifiers: ClinVar variation 411088 (VCV000411088.15), dbSNP rs1060503150, ClinGen allele CA16612271.